The following is an entry in ClinVar:

NM_005343.4(HRAS):c.508A>T (p.Lys170Ter)

Genes: HRAS (HRas proto-oncogene, GTPase; minus strand), LRRC56 (leucine rich repeat containing 56; plus strand). Cytogenetic location: 11p15.5.
Variant type: single nucleotide variant.
Coding change: c.508A>T on transcript NM_005343.4 (MANE Select); coding-DNA position 508, A replaced by T.
Protein change: p.Lys170Ter; replaces lysine 170 with a stop codon.
Molecular consequence: nonsense. On other transcripts: 3 prime UTR variant (1).
Genome position (GRCh38, 1-based): chr11:532,698, T>A on the plus strand (A>T on the coding strand, the complement: HRAS is on the minus strand). VCF-style: chr11-532698-T-A. GRCh37 (hg19) VCF-style: chr11-532698-T-A.
Other names: p.K170*:AAG>TAG; NM_005343.3(HRAS):c.508A>T; c.508A>T, p.Lys170Ter (NM_001130442.3); c.271A>T, p.Lys91Ter (NM_001318054.2); c.*77A>T (NM_176795.5); short protein forms K170*, K91*.
Identifiers: ClinVar variation 40447 (VCV000040447.17), dbSNP rs372936166, ClinGen allele CA296052.
Genomic context (GRCh38, chr11:532,698, plus strand): 5'-AGGAGAGCACACACTTGCAGCTCATGCAGCCGGGGCCACTCTCATCAGGAGGGTTCAGCT[T>A]CCGCAGCTTGTGCTGCCGGATCTCACGCACCAACGTGTAGAAGGCATCCTCCACTCCCTG-3'

ClinVar aggregate classification (germline): Uncertain significance. Review status: reviewed by expert panel (3 of 4 stars). 6 submissions from 6 submitters: Uncertain significance (1). 5 of the submissions do not count toward it. Last evaluated 2019-06-27.

Conditions:
Large congenital melanocytic nevus (CMNS). Also called: PIGMENTED MOLES; MELANOCYTIC NEVUS SYNDROME, CONGENITAL, SOMATIC; Congenital giant melanocytic nevus; Giant hairy nevus; Bathing trunk nevus; Congenital giant pigmented nevus. Identifiers: Orphanet 626, MedGen C1842036, MONDO:0044792, OMIM 137550, HP:0005600.
Linear nevus sebaceous syndrome. Also called: SCHIMMELPENNING-FEUERSTEIN-MIMS SYNDROME, SOMATIC MOSAIC; Linear nevus sebaceous; JADASSOHN NEVUS PHAKOMATOSIS; NEVUS SEBACEUS OF JADASSOHN; ORGANOID NEVUS PHAKOMATOSIS; SFM SYNDROME. Identifiers: Orphanet 2612, MedGen C4552097, MONDO:0008097, OMIM 163200, HP:0010817.
Malignant tumor of urinary bladder. Also called: Bladder cancer; Urinary bladder cancer; Urinary Bladder Neoplasms. Identifiers: MedGen C0005684, MONDO:0001187, OMIM 109800.
Costello syndrome (CSTLO). Also called: FACIOCUTANEOSKELETAL SYNDROME; FCS SYNDROME; HRAS-Related Costello Syndrome. Identifiers: Orphanet 3071, MedGen C0587248, MONDO:0009026, OMIM 218040.
Thyroid cancer, nonmedullary, 2 (NMTC2). Also called: THYROID CARCINOMA, FOLLICULAR; THYROID CANCER, NONMEDULLARY, 2, SUSCEPTIBILITY TO; Thyroid carcinoma, follicular, somatic. Identifiers: MedGen C4225426, MONDO:0008566, OMIM 188470.
Epidermal nevus. Also called: Nevus, epidermal, somatic; NEVUS, KERATINOCYTIC, NONEPIDERMOLYTIC. Identifiers: Orphanet 79414, MedGen C0334082, MONDO:0008093, OMIM 162900, HP:0010816.
Cardiovascular phenotype. Identifiers: MedGen CN230736.

Allele frequency attached by ClinVar (database versions not stated): ExAC 0.00003; gnomAD exomes 0.00003; TOPMed 0.00004; gnomAD 0.00005; ESP Exome Variant Server 0.00015.
gnomAD v4.1: 156 of 1,613,088 alleles (0.0097%); highest among the groups gnomAD compares: Non-Finnish European, 0.013%; no homozygotes.

Submissions (6):

ClinGen RASopathy Variant Curation Expert Panel
Classification: Uncertain significance for Costello syndrome. Last evaluated: 2019-06-27. Review status: reviewed by expert panel. Criteria: ClinGen RASopathy ACMG Specifications v1. Collection method: curation. Allele origin: germline. Inheritance: Autosomal dominant inheritance.
Comment: The c.508A>T (p.Lys170Ter) variant in the HRAS gene has been identified in patients with cancer and individuals who underwent testing for RASopathies, however it was also identified in an unaffected parent (BS4; Invitae, GeneDx internal data, GTR Lab ID: 26957, 500031; SCV000207840.14, SCV000635092.3). The filtering allele frequency of the p.Lys170Ter variant is 0.0034% for European (non-Finnish) chromosomes by the gnomAD aggregation database (8/249358 with 95% CI), which is not a high enough frequency to meet thresholds defined by the ClinGen RASopahty Expert panel for autosomal dominant RASopathy variants (BA1/BS1 not met). Furthermore, LOF and/or haploinsufficiency has not been clearly identified as disease mechanisms for these genes relative to the RASopathy spectrum phenotype, therefore the PVS1 rule is not applicable. In summary, the clinical significance of the p.Lys170Ter variant is uncertain. RASopathy-specific ACMG/AMP criteria applied (PMID:29493581): BS4.

Labcorp Genetics (formerly Invitae), Labcorp
Classification: Uncertain significance for Costello syndrome. Last evaluated: 2025-11-20. Review status: criteria provided, single submitter. Criteria: Invitae Variant Classification Sherloc (09022015). Collection method: clinical testing. Allele origin: germline. Not counted in ClinVar's aggregate classification.
Comment: This sequence change creates a premature translational stop signal (p.Lys170*) in the HRAS gene. It is expected to result in an absent or disrupted protein product. However, the current clinical and genetic evidence is not sufficient to establish whether loss-of-function variants in HRAS cause disease. This variant is present in population databases (rs372936166, gnomAD 0.006%). This variant has not been reported in the literature in individuals affected with HRAS-related conditions. ClinVar contains an entry for this variant (Variation ID: 40447). In summary, the available evidence is currently insufficient to determine the role of this variant in disease. Therefore, it has been classified as a Variant of Uncertain Significance.

Ambry Genetics
Classification: Likely benign for Cardiovascular phenotype. Last evaluated: 2025-11-04. Review status: criteria provided, single submitter. Criteria: Ambry Variant Classification Scheme 2023. Collection method: clinical testing. Allele origin: germline. Not counted in ClinVar's aggregate classification.

Fulgent Genetics
Classification: Uncertain significance for Malignant tumor of urinary bladder; Large congenital melanocytic nevus; Epidermal nevus; Linear nevus sebaceous syndrome; Thyroid cancer, nonmedullary, 2; Costello syndrome. Last evaluated: 2024-04-16. Review status: criteria provided, single submitter. Criteria: ACMG Guidelines, 2015. Collection method: clinical testing. Allele origin: germline. Not counted in ClinVar's aggregate classification.

Blueprint Genetics
Classification: Likely benign. Last evaluated: 2024-02-09. Review status: criteria provided, single submitter. Criteria: ACMG Guidelines, 2015. Collection method: clinical testing. Allele origin: germline. Not counted in ClinVar's aggregate classification.

GeneDx
Classification: Likely benign. Last evaluated: 2019-10-08. Review status: criteria provided, single submitter. Criteria: GeneDx Variant Classification Process June 2021. Collection method: clinical testing. Allele origin: germline. Affected: yes. Not counted in ClinVar's aggregate classification.
Comment: This variant is associated with the following publications: (PMID: 28873162, 29625052)